The following is an entry in ClinVar:

NM_003412.4(ZIC1):c.1269G>A (p.Ser423=)

Gene: ZIC1 (Zic family zinc finger 1; plus strand). Cytogenetic location: 3q24.
Variant type: single nucleotide variant.
Coding change: c.1269G>A on transcript NM_003412.4 (MANE Select); coding-DNA position 1269, G replaced by A.
Protein change: p.Ser423=; no amino-acid change (serine 423 retained).
Molecular consequence: synonymous variant.
Genome position (GRCh38, 1-based): chr3:147,413,476, G>A. VCF-style: chr3-147413476-G-A. GRCh37 (hg19) VCF-style: chr3-147131263-G-A.
Other names: c.1269G>A (NM_003412.3).
Identifiers: ClinVar variation 1593045 (VCV001593045.10), dbSNP rs748925382, ClinGen allele CA2657227.

ClinVar aggregate classification (germline): Likely benign. Review status: criteria provided, single submitter (1 of 4 stars). 2 submissions from 2 submitters: Likely benign (1). 1 of the submissions does not count toward it. Last evaluated 2024-11-11.

Conditions:
ZIC1-related disorder. Also called: ZIC1-related condition.

Allele frequency attached by ClinVar (database versions not stated): gnomAD 0.00001; gnomAD exomes 0.00004 and 0.00009; ExAC 0.00006; TOPMed 0.00007.
gnomAD v4.1: 25 of 1,613,810 alleles (0.0015%); highest among the groups gnomAD compares: Admixed American, 0.042%; no homozygotes.

Submissions (2):

Labcorp Genetics (formerly Invitae), Labcorp
Classification: Likely benign. Last evaluated: 2024-11-11. Review status: criteria provided, single submitter. Criteria: Invitae Variant Classification Sherloc (09022015). Collection method: clinical testing. Allele origin: germline.

PreventionGenetics, part of Exact Sciences
Classification: Likely benign for ZIC1-related condition. Last evaluated: 2019-07-09. Review status: no assertion criteria provided. Collection method: clinical testing. Allele origin: germline. Not counted in ClinVar's aggregate classification.
Comment: This variant is classified as likely benign based on ACMG/AMP sequence variant interpretation guidelines (Richards et al. 2015 PMID: 25741868, with internal and published modifications).